The following is an entry in ClinVar:

NM_013432.5(TONSL):c.3559+4A>G

Gene: TONSL (tonsoku like, DNA repair protein; minus strand). Cytogenetic location: 8q24.3.
Variant type: single nucleotide variant.
Coding change: c.3559+4A>G on transcript NM_013432.5 (MANE Select); 4 bases into the intron after coding-DNA position 3559, A replaced by G.
Molecular consequence: intron variant.
Genome position (GRCh38, 1-based): chr8:144,433,584, T>C on the plus strand (A>G on the coding strand, the complement: TONSL is on the minus strand). VCF-style: chr8-144433584-T-C. GRCh37 (hg19) VCF-style: chr8-145658967-T-C.
Identifiers: ClinVar variation 1898003 (VCV001898003.5), dbSNP rs782371574, ClinGen allele CA4942480.

ClinVar aggregate classification (germline): Uncertain significance (1 of 4 stars; one submission).

Allele frequency attached by ClinVar (database versions not stated): TOPMed below 0.00001; gnomAD 0.00001; ExAC 0.00003; gnomAD exomes 0.00008.
gnomAD v4.1: 109 of 1,612,926 alleles (0.0068%); highest among the groups gnomAD compares: Non-Finnish European, 0.0091%; no homozygotes.

Submissions (2):

Labcorp Genetics (formerly Invitae), Labcorp
Classification: Uncertain significance. Last evaluated: 2023-07-22. Review status: criteria provided, single submitter. Criteria: Invitae Variant Classification Sherloc (09022015). Collection method: clinical testing. Allele origin: germline.
Comment: In summary, the available evidence is currently insufficient to determine the role of this variant in disease. Therefore, it has been classified as a Variant of Uncertain Significance. This sequence change falls in intron 22 of the TONSL gene. It does not directly change the encoded amino acid sequence of the TONSL protein. It affects a nucleotide within the consensus splice site. This variant is present in population databases (rs782371574, gnomAD 0.008%). This variant has not been reported in the literature in individuals affected with TONSL-related conditions. ClinVar contains an entry for this variant (Variation ID: 1898003). Variants that disrupt the consensus splice site are a relatively common cause of aberrant splicing (PMID: 17576681, 9536098). Algorithms developed to predict the effect of sequence changes on RNA splicing suggest that this variant may create or strengthen a splice site.

Dr. Peter K. Rogan Lab, Western University
No classification provided (evidence only). Condition: Lung cancer. Review status: no classification provided. Collection method: in vitro. Allele origin: not applicable. Functional consequence: skipped exon, retained intron. Not counted in ClinVar's aggregate classification.

Literature cited by the submitters: PubMed 17576681 (cited by Labcorp Genetics (formerly Invitae), Labcorp); PubMed 9536098 (cited by Labcorp Genetics (formerly Invitae), Labcorp).